The following is an entry in ClinVar:

NM_001379200.1(TBX1):c.751C>T (p.His251Tyr)

Gene: TBX1 (T-box transcription factor 1; plus strand). Cytogenetic location: 22q11.21.
Variant type: single nucleotide variant.
Coding change: c.751C>T on transcript NM_001379200.1 (MANE Select); coding-DNA position 751, C replaced by T.
Protein change: p.His251Tyr; replaces histidine 251 with tyrosine.
Molecular consequence: missense variant.
Genome position (GRCh38, 1-based): chr22:19,764,997, C>T. VCF-style: chr22-19764997-C-T. GRCh37 (hg19) VCF-style: chr22-19752520-C-T.
Other names: c.724C>T, p.His242Tyr (NM_080647.1, NM_005992.1, NM_080646.2); short protein forms H242Y, H251Y.
Identifiers: ClinVar variation 4854041 (VCV004854041.1).
Genomic context (GRCh38, chr22:19,764,997, plus strand): 5'-ATTCCCCACCTTGTCTTCCAGATTATTCTGAATTCCATGCACAGATACCAGCCCCGCTTC[C>T]ACGTGGTCTATGTGGACCCACGCAAAGATAGCGAGAAATATGCCGAGGAGAACTTCAAAA-3'
Protein context (NP_001366129.1, residues 241-261): NSMHRYQPRF[His251Tyr]VVYVDPRKDS

ClinVar aggregate classification (germline): Uncertain significance (1 of 4 stars; one submission).

Conditions:
Velocardiofacial syndrome (VCFS). Also called: SHPRINTZEN VCF SYNDROME; VCF SYNDROME; Shprintzen syndrome. Identifiers: Orphanet 567, MedGen C0220704, MONDO:0008644, OMIM 192430. Disease mechanism: loss of function.

Submission:

3billion
Classification: Uncertain significance for Velocardiofacial syndrome. Last evaluated: 2025-06-16. Review status: criteria provided, single submitter. Criteria: ACMG Guidelines, 2015. Collection method: clinical testing. Allele origin: germline. Affected: yes.
Comment: The variant is not observed in the gnomAD v4.1.0 dataset. Predicted Consequence/Location: Missense variant. The majority of the known disease-causing variants of this gene are variants expected to result in premature termination of the protein. In silico tool predictions suggest damaging effect of the variant on gene or gene product [REVEL: 0.94 (>=0.6, sensitivity 0.68 and specificity 0.92); 3Cnet: 0.09 (> 0.75, sensitivity 0.96 and precision 0.92)]. Therefore, this variant is classified as VUS according to the recommendation of ACMG/AMP guideline.